The following is an entry in ClinVar:

ClinVar aggregate classification (germline): Uncertain significance (1 of 4 stars; one submission).

Conditions:
Duchenne muscular dystrophy (DMD). Also called: MUSCULAR DYSTROPHY, PSEUDOHYPERTROPHIC PROGRESSIVE, DUCHENNE TYPE; Duchenne Muscular Dystrophy (DMD). Identifiers: Orphanet 98896, MedGen C0013264, MONDO:0010679, OMIM 310200.

Submission:

Labcorp Genetics (formerly Invitae), Labcorp
Classification: Uncertain significance for Duchenne muscular dystrophy. Last evaluated: 2020-11-06. Review status: criteria provided, single submitter. Criteria: Invitae Variant Classification Sherloc (09022015). Collection method: clinical testing. Allele origin: germline.
Comment: Algorithms developed to predict the effect of sequence changes on RNA splicing suggest that this variant may disrupt the consensus splice site, but this prediction has not been confirmed by published transcriptional studies. This sequence change affects codon 3518 of the DMD mRNA. It is a 'silent' change, meaning that it does not change the encoded amino acid sequence of the DMD protein. This variant is not present in population databases (ExAC no frequency). This variant has not been reported in the literature in individuals with DMD-related conditions. In summary, the available evidence is currently insufficient to determine the role of this variant in disease. Therefore, it has been classified as a Variant of Uncertain Significance.

NM_004006.3(DMD):c.10554G>A (p.Arg3518=)

Gene: DMD (dystrophin; minus strand). Cytogenetic location: Xp21.2.
Variant type: single nucleotide variant.
Coding change: c.10554G>A on transcript NM_004006.3 (MANE Select); coding-DNA position 10554, G replaced by A.
Protein change: p.Arg3518=; no amino-acid change (arginine 3518 retained).
Molecular consequence: synonymous variant.
Genome position (GRCh38, 1-based): chrX:31,147,518, C>T on the plus strand (G>A on the coding strand, the complement: DMD is on the minus strand). VCF-style: chrX-31147518-C-T. GRCh37 (hg19) VCF-style: chrX-31165635-C-T.
Other names: c.10530G>A, p.Arg3510= (NM_000109.4); c.10542G>A, p.Arg3514= (NM_004009.3); c.10185G>A, p.Arg3395= (NM_004010.3); c.6531G>A, p.Arg2177= (NM_004011.4); c.6522G>A, p.Arg2174= (NM_004012.4); c.3174G>A, p.Arg1058= (NM_004013.3, NM_004021.3); c.2367G>A, p.Arg789= (NM_004014.3); c.1350G>A, p.Arg450= (NM_004015.3, NM_004016.3); and 3 more.
Identifiers: ClinVar variation 1374181 (VCV001374181.8), dbSNP rs2147936482, ClinGen allele CA515855295.
Genomic context (GRCh38, chrX:31,147,518, plus strand): 5'-TGGGGACAGGCCTTTATGTTCGTGCTGCTGCTTTAGACGGTCATATTCTGCTTGCAGATT[C>T]CTATTGGCATCAAAAAAGTAAAAAAGAAAAAAAAAGAAAGAAAAAGAAAAAGAAGAAAAA-3'
Protein context (NP_003997.2, residues 3508-3528): RILADLEEEN[Arg3518=]NLQAEYDRLK